The following is an entry in ClinVar:

ClinVar aggregate classification (germline): Pathogenic (1 of 4 stars; one submission).

Conditions:
Arrhythmogenic right ventricular dysplasia 11. Also called: ARRHYTHMOGENIC RIGHT VENTRICULAR DYSPLASIA, FAMILIAL, 11; Arrhythmogenic Right Ventricular Dysplasia/Cardiomyopathy11; Arrhythmogenic right ventricular dysplasia 11 with mild palmoplantar keratoderma and woolly hair. Identifiers: MedGen C1864850, MONDO:0012506, OMIM 610476.

Submission:

Labcorp Genetics (formerly Invitae), Labcorp
Classification: Pathogenic for Arrhythmogenic right ventricular dysplasia 11. Last evaluated: 2024-08-18. Review status: criteria provided, single submitter. Criteria: Invitae Variant Classification Sherloc (09022015). Collection method: clinical testing. Allele origin: germline.
Comment: This sequence change creates a premature translational stop signal (p.Trp517Glyfs*54) in the DSC2 gene. It is expected to result in an absent or disrupted protein product. Loss-of-function variants in DSC2 are known to be pathogenic (PMID: 23911551). This variant is not present in population databases (gnomAD no frequency). This variant has not been reported in the literature in individuals affected with DSC2-related conditions. For these reasons, this variant has been classified as Pathogenic.

Literature cited by the submitters: PubMed 23911551.

NM_024422.6(DSC2):c.1545del (p.Trp517fs)

Gene: DSC2 (desmocollin 2; minus strand). Cytogenetic location: 18q12.1.
Variant type: Deletion.
Coding change: c.1545del on transcript NM_024422.6 (MANE Select); coding-DNA position 1545, one base deleted (A; older notation c.1545delA).
Protein change: p.Trp517fs; shifts the reading frame from tryptophan 517.
Molecular consequence: frameshift variant.
Genome position (GRCh38, 1-based): chr18:31,079,965, T deleted on the plus strand (A on the coding strand, the reverse complement: DSC2 is on the minus strand). VCF-style (leftmost placement, unchanged base first): chr18-31079964-CT-C. GRCh37 (hg19) VCF-style: chr18-28659930-CT-C.
Other names: c.1116del, p.Trp374fs (NM_001406506.1, NM_001406507.1); c.1545del, p.Trp517fs (NM_004949.5); short protein forms W374fs, W517fs.
Identifiers: ClinVar variation 3648886 (VCV003648886.2).